The following is an entry in ClinVar:

ClinVar aggregate classification (germline): Uncertain significance (1 of 4 stars; one submission).

Submission:

GeneDx
Classification: Uncertain significance. Last evaluated: 2019-09-23. Review status: criteria provided, single submitter. Criteria: GeneDx Variant Classification Process June 2021. Collection method: clinical testing. Allele origin: germline. Affected: yes.
Comment: Has not been previously published as pathogenic or benign to our knowledge; Not observed in large population cohorts (Lek et al., 2016); In silico analysis, which includes protein predictors and evolutionary conservation, supports a deleterious effect

NM_001367721.1(CASK):c.1238T>C (p.Leu413Ser)

Gene: CASK (calcium/calmodulin dependent serine protein kinase; minus strand). Cytogenetic location: Xp11.4.
Variant type: single nucleotide variant.
Coding change: c.1238T>C on transcript NM_001367721.1 (MANE Select); coding-DNA position 1238, T replaced by C.
Protein change: p.Leu413Ser; replaces leucine 413 with serine.
Molecular consequence: missense variant.
Genome position (GRCh38, 1-based): chrX:41,586,983, A>G on the plus strand (T>C on the coding strand, the complement: CASK is on the minus strand). VCF-style: chrX-41586983-A-G. GRCh37 (hg19) VCF-style: chrX-41446236-A-G.
Other names: c.1238T>C, p.Leu413Ser (NM_001126054.3, NM_003688.4); c.1220T>C, p.Leu407Ser (NM_001126055.3, NM_001410745.1); short protein forms L407S, L413S.
Identifiers: ClinVar variation 1312371 (VCV001312371.2), dbSNP rs2147224451, ClinGen allele CA412999310.